The following is an entry in ClinVar:

ClinVar aggregate classification (germline): Uncertain significance (1 of 4 stars; one submission).

Conditions:
Aicardi-Goutieres syndrome 5. Identifiers: Orphanet 51, MedGen C2749659, MONDO:0013059, OMIM 612952.

Allele frequency attached by ClinVar (database versions not stated): gnomAD exomes below 0.00001 and 0.00001; TOPMed below 0.00001; ExAC 0.00001; gnomAD 0.00001.
gnomAD v4.1: 16 of 1,613,984 alleles (0.00099%); highest among the groups gnomAD compares: African/African-American, 0.0053%; no homozygotes.

Submission:

Labcorp Genetics (formerly Invitae), Labcorp
Classification: Uncertain significance for Aicardi-Goutieres syndrome 5. Last evaluated: 2021-12-15. Review status: criteria provided, single submitter. Criteria: Invitae Variant Classification Sherloc (09022015). Collection method: clinical testing. Allele origin: germline.
Comment: This sequence change replaces proline, which is neutral and non-polar, with leucine, which is neutral and non-polar, at codon 581 of the SAMHD1 protein (p.Pro581Leu). This variant is present in population databases (rs752755786, gnomAD 0.007%). This variant has not been reported in the literature in individuals affected with SAMHD1-related conditions. Algorithms developed to predict the effect of missense changes on protein structure and function (SIFT, PolyPhen-2, Align-GVGD) all suggest that this variant is likely to be tolerated. In summary, the available evidence is currently insufficient to determine the role of this variant in disease. Therefore, it has been classified as a Variant of Uncertain Significance.

NM_015474.4(SAMHD1):c.1742C>T (p.Pro581Leu)

Gene: SAMHD1 (SAM and HD domain containing deoxynucleoside triphosphate triphosphohydrolase 1; minus strand). Cytogenetic location: 20q11.23.
Variant type: single nucleotide variant.
Coding change: c.1742C>T on transcript NM_015474.4 (MANE Select); coding-DNA position 1742, C replaced by T.
Protein change: p.Pro581Leu; replaces proline 581 with leucine.
Molecular consequence: missense variant.
Genome position (GRCh38, 1-based): chr20:36,897,826, G>A on the plus strand (C>T on the coding strand, the complement: SAMHD1 is on the minus strand). VCF-style: chr20-36897826-G-A. GRCh37 (hg19) VCF-style: chr20-35526229-G-A.
Other names: c.1637C>T, p.Pro546Leu (NM_001363729.2); c.1742C>T, p.Pro581Leu (NM_001363733.2); short protein forms P581L, P546L.
Identifiers: ClinVar variation 1407087 (VCV001407087.3), dbSNP rs752755786, ClinGen allele CA9844434.
Genomic context (GRCh38, chr20:36,897,826, plus strand): 5'-GGTTTTTACTTAAAAATAAAAAATTGTGCAAAGTTTGTGAGTAACAGGCCACCTACCTGC[G>A]GCTTGGTGAAATTTCTGTCTGCACACCACTGAACAAAATATTGTCTTGCGGCATACAAAC-3'
Protein context (NP_056289.2, residues 571-591): QWCADRNFTK[Pro581Leu]QDGDVIAPLI